The following is an entry in ClinVar:

ClinVar aggregate classification (germline): Pathogenic (1 of 4 stars; one submission).

Conditions:
Marfan syndrome (MFS). Also called: Marfan syndrome type 1; Marfan's syndrome; FBN1-Related Marfan Syndrome; MARFAN SYNDROME, TYPE I; Marfan syndrome, classic. Identifiers: Orphanet 284963, Orphanet 558, MedGen C0024796, MONDO:0007947, OMIM 154700.
Familial thoracic aortic aneurysm and aortic dissection (TAAD). Also called: Thoracic aortic aneurysms and dissections. Identifiers: Orphanet 91387, MedGen C4707243, MONDO:0019625.

Submission:

Labcorp Genetics (formerly Invitae), Labcorp
Classification: Pathogenic for Marfan syndrome; Familial thoracic aortic aneurysm and aortic dissection. Last evaluated: 2024-11-10. Review status: criteria provided, single submitter. Criteria: Invitae Variant Classification Sherloc (09022015). Collection method: clinical testing. Allele origin: germline.
Comment: This sequence change falls in intron 38 of the FBN1 gene. It does not directly change the encoded amino acid sequence of the FBN1 protein. RNA analysis indicates that this variant induces altered splicing and likely results in the loss of 17 amino acid residue(s), but is expected to preserve the integrity of the reading-frame. This variant is not present in population databases (gnomAD no frequency). This variant has been observed in individual(s) with clinical features of Marfan syndrome (PMID: 17657824; internal data). ClinVar contains an entry for this variant (Variation ID: 1408022). Variants that disrupt the consensus splice site are a relatively common cause of aberrant splicing (PMID: 17576681, 9536098). Studies have shown that this variant results in the activation of a cryptic splice site in exon 38 (PMID: 32123317). This variant affects a cysteine residue in the EGF-like, TGFBP or hybrid motif domains of FBN1. Cysteine residues are believed to be involved in intramolecular disulfide bridges and have been shown to be important for FBN1 protein structure (PMID: 16905551, 19349279). In addition, missense substitutions affecting cysteine residues within these domains are significantly overrepresented among patients with Marfan syndrome (PMID: 16571647, 17701892). This variant disrupts the c.4747+5 nucleotide in the FBN1 gene. Other variant(s) that disrupt this nucleotide have been determined to be pathogenic (PMID: 10189089). This suggests that this nucleotide is clinically significant, and that variants that disrupt this position are likely to be disease-causing. For these reasons, this variant has been classified as Pathogenic.

Literature cited by the submitters: PubMed 17657824; PubMed 17576681; PubMed 9536098; PubMed 32123317; PubMed 16905551; PubMed 19349279; PubMed 16571647; PubMed 17701892; PubMed 10189089.

NM_000138.5(FBN1):c.4747+5G>A

Gene: FBN1 (fibrillin 1; minus strand). Cytogenetic location: 15q21.1.
Variant type: single nucleotide variant.
Coding change: c.4747+5G>A on transcript NM_000138.5 (MANE Select); 5 bases into the intron after coding-DNA position 4747, G replaced by A.
Molecular consequence: intron variant.
Genome position (GRCh38, 1-based): chr15:48,467,933, C>T on the plus strand (G>A on the coding strand, the complement: FBN1 is on the minus strand). VCF-style: chr15-48467933-C-T. GRCh37 (hg19) VCF-style: chr15-48760130-C-T.
Identifiers: ClinVar variation 1408022 (VCV001408022.8), dbSNP rs193922209, ClinGen allele CA2573150797.